The following is an entry in ClinVar:

NM_006420.3(ARFGEF2):c.1276G>A (p.Glu426Lys)

Gene: ARFGEF2 (ARF guanine nucleotide exchange factor 2; plus strand). Cytogenetic location: 20q13.13.
Variant type: single nucleotide variant.
Coding change: c.1276G>A on transcript NM_006420.3 (MANE Select); coding-DNA position 1276, G replaced by A.
Protein change: p.Glu426Lys; replaces glutamic acid 426 with lysine.
Molecular consequence: missense variant.
Genome position (GRCh38, 1-based): chr20:48,971,205, G>A. VCF-style: chr20-48971205-G-A. GRCh37 (hg19) VCF-style: chr20-47587742-G-A.
Other names: c.1273G>A, p.Glu425Lys (NM_001410846.1); short protein forms E425K, E426K.
Identifiers: ClinVar variation 3766367 (VCV003766367.1).

ClinVar aggregate classification (germline): Uncertain significance (1 of 4 stars; one submission).

gnomAD v4.1: 11 of 1,614,058 alleles (0.00068%); highest among the groups gnomAD compares: South Asian, 0.0011%; no homozygotes.

Submission:

GeneDx
Classification: Uncertain significance. Last evaluated: 2024-08-26. Review status: criteria provided, single submitter. Criteria: GeneDx Variant Classification Process June 2021. Collection method: clinical testing. Allele origin: germline. Affected: yes.
Comment: Not observed at significant frequency in large population cohorts (gnomAD); In silico analysis supports that this missense variant has a deleterious effect on protein structure/function; Has not been previously published as pathogenic or benign to our knowledge